The following is an entry in ClinVar:

NM_002519.3(NPAT):c.3590G>C (p.Ser1197Thr)

Gene: NPAT (nuclear protein, coactivator of histone transcription; minus strand). Cytogenetic location: 11q22.3.
Variant type: single nucleotide variant.
Coding change: c.3590G>C on transcript NM_002519.3 (MANE Select); coding-DNA position 3590, G replaced by C.
Protein change: p.Ser1197Thr; replaces serine 1197 with threonine.
Molecular consequence: missense variant.
Genome position (GRCh38, 1-based): chr11:108,161,496, C>G on the plus strand (G>C on the coding strand, the complement: NPAT is on the minus strand). VCF-style: chr11-108161496-C-G. GRCh37 (hg19) VCF-style: chr11-108032223-C-G.
Other names: c.3611G>C, p.Ser1204Thr (NM_001321307.1); short protein forms S1197T, S1204T.
Identifiers: ClinVar variation 3407213 (VCV003407213.1).

ClinVar aggregate classification (germline): Uncertain significance (1 of 4 stars; one submission).

Submission:

Ambry Genetics
Classification: Uncertain significance. Last evaluated: 2024-09-09. Review status: criteria provided, single submitter. Criteria: Ambry Variant Classification Scheme 2023. Collection method: clinical testing. Allele origin: germline.
Comment: The p.S1197T variant (also known as c.3590G>C), located in coding exon 17 of the NPAT gene, results from a G to C substitution at nucleotide position 3590. The serine at codon 1197 is replaced by threonine, an amino acid with similar properties. This amino acid position is conserved. In addition, this alteration is predicted to be tolerated by in silico analysis. Based on the available evidence, the clinical significance of this variant remains unclear.